The following is an entry in ClinVar:

NM_000551.4(VHL):c.341-40A>T

Genes: VHL (von Hippel-Lindau tumor suppressor; plus strand), LOC107303340 (3p25 von Hippel-Lindau tumor suppressor, E3 ubiquitin protein ligase Alu-mediated recombination region; plus strand). Cytogenetic location: 3p25.3.
Variant type: single nucleotide variant.
Coding change: c.341-40A>T on transcript NM_000551.4 (MANE Select); 40 bases into the intron before coding-DNA position 341, A replaced by T.
Molecular consequence: intron variant.
Genome position (GRCh38, 1-based): chr3:10,146,474, A>T. VCF-style: chr3-10146474-A-T. GRCh37 (hg19) VCF-style: chr3-10188158-A-T.
Other names: c.*18-3313A>T (NM_001354723.2); c.341-3313A>T (NM_198156.3).
Identifiers: ClinVar variation 4987464 (VCV004987464.1).

ClinVar aggregate classification (germline): Likely benign (1 of 4 stars; one submission).

Conditions:
VHL-related disorder. Also called: VHL-related condition.

Submission:

PreventionGenetics, part of Exact Sciences
Classification: Likely benign for VHL-related condition. Last evaluated: 2025-12-29. Review status: criteria provided, single submitter. Criteria: ACMG Guidelines, 2015. Collection method: clinical testing. Allele origin: germline.
Comment: This variant is classified as likely benign based on ACMG/AMP sequence variant interpretation guidelines (Richards et al. 2015 PMID: 25741868, with internal and published modifications).